The following is an entry in ClinVar:

NM_033124.5(DRC2):c.877_878del (p.Ile293fs)

Gene: DRC2 (dynein regulatory complex subunit 2; plus strand). Cytogenetic location: 12q13.12.
Variant type: Microsatellite.
Coding change: c.877_878del on transcript NM_033124.5 (MANE Select); coding-DNA positions 877 to 878, 2 bases deleted (AT; older notation c.877_878delAT).
Protein change: p.Ile293fs; shifts the reading frame from isoleucine 293.
Molecular consequence: frameshift variant.
Genome position (GRCh38, 1-based): chr12:48,918,754-48,918,755, AT deleted; deleting any 2 consecutive bases within chr12:48,918,751-48,918,755 gives the same sequence; the c. name uses the placement nearest the transcript's 3' end. VCF-style (leftmost placement, unchanged base first): chr12-48918750-GTA-G. GRCh37 (hg19) VCF-style: chr12-49312533-GTA-G.
Other names: c.877_878del (NM_033124.4); c.448_449del, p.Ile150fs (NM_001286957.2); short protein forms I293fs, I150fs.
Identifiers: ClinVar variation 88685 (VCV000088685.54), dbSNP rs863223325, ClinGen allele CA278910.

ClinVar aggregate classification (germline): Pathogenic/Likely pathogenic. Review status: criteria provided, multiple submitters, no conflicts (2 of 4 stars). 9 submissions from 9 submitters: Pathogenic (4); Likely pathogenic (4). 1 of the submissions does not count toward it. Last evaluated 2026-01-04.

Conditions:
Primary ciliary dyskinesia. Also called: Ciliary dyskinesia. Identifiers: Orphanet 244, MedGen C0008780, MONDO:0016575, HP:0012265.
Primary ciliary dyskinesia 27. Also called: CILIARY DYSKINESIA, PRIMARY, 27, WITHOUT SITUS INVERSUS. Identifiers: Orphanet 244, MedGen C3809701, MONDO:0014215, OMIM 615504.
CCDC65-related disorder. Also called: CCDC65-related condition.

Submissions (9):

Labcorp Genetics (formerly Invitae), Labcorp
Classification: Pathogenic for Primary ciliary dyskinesia 27. Last evaluated: 2026-01-04. Review status: criteria provided, single submitter. Criteria: Invitae Variant Classification Sherloc (09022015). Collection method: clinical testing. Allele origin: germline.
Comment: This sequence change creates a premature translational stop signal (p.Ile293Profs*2) in the CCDC65 gene. It is expected to result in an absent or disrupted protein product. Loss-of-function variants in CCDC65 are known to be pathogenic (PMID: 23991085, 24094744). This variant is present in population databases (rs748630203, gnomAD 0.4%). This premature translational stop signal has been observed in individual(s) with primary ciliary dyskinesia (PMID: 23991085, 24094744). It is commonly reported in individuals of Ashkenazi Jewish ancestry (PMID: 23991085, 24094744). This variant is also known as 876_877delAT. ClinVar contains an entry for this variant (Variation ID: 88685). For these reasons, this variant has been classified as Pathogenic.

Laboratory of Genetics, Children's Clinical University Hospital Latvia
Classification: Pathogenic. Last evaluated: 2025-02-16. Review status: criteria provided, single submitter. Criteria: ACMG Guidelines, 2015. Collection method: clinical testing. Allele origin: germline. Affected: yes.

Revvity Omics, Revvity
Classification: Pathogenic for Primary ciliary dyskinesia 27. Last evaluated: 2024-12-31. Review status: criteria provided, single submitter. Criteria: ACMG Guidelines, 2015. Collection method: clinical testing. Allele origin: germline.

Blueprint Genetics
Classification: Likely pathogenic for CCDC65-related disorders. Last evaluated: 2023-07-28. Review status: criteria provided, single submitter. Criteria: ACMG Guidelines, 2015. Collection method: clinical testing. Allele origin: germline. Affected: yes. Observed: 5 variant alleles.

GeneDx
Classification: Likely pathogenic. Last evaluated: 2023-06-30. Review status: criteria provided, single submitter. Criteria: GeneDx Variant Classification Process June 2021. Collection method: clinical testing. Allele origin: germline. Affected: yes.
Comment: Frameshift variant predicted to result in protein truncation or nonsense mediated decay in a gene or region of a gene for which loss of function is not a well-established mechanism of disease; This variant is associated with the following publications: (PMID: 24094744, 23991085, 34693619)

Department of Pathology and Laboratory Medicine, Sinai Health System
Classification: Likely pathogenic for Primary ciliary dyskinesia 27. Last evaluated: 2023-04-24. Review status: criteria provided, single submitter. Criteria: ACMG Guidelines, 2015. Collection method: research. Allele origin: germline.

Johns Hopkins Genomics, Johns Hopkins University
Classification: Pathogenic for Primary ciliary dyskinesia 27. Last evaluated: 2021-12-17. Review status: criteria provided, single submitter. Criteria: ACMG Guidelines, 2015. Collection method: clinical testing. Allele origin: germline.
Comment: CCDC65 c.877_878del has been reported in the homozygous state in multiple individuals with primary ciliary dyskinesia. This variant (rs1272967209) has an entry in ClinVar and has been identified in a large population dataset. The minor allele frequency is neither low enough to consider the variant rare (<0.1%) nor high enough to consider it a population polymorphism (>1%) within the Ashkenazi Jewish subpopulation (gnomAD: 45/10370 alleles; 0.4339%, no homozygotes). This frameshift variant results in a premature stop codon in exon 6 of 8 likely leading to nonsense-mediated decay and lack of protein production. We consider CCDC65 c.877_878del to be pathogenic.

Laboratory for Molecular Medicine, Mass General Brigham Personalized Medicine
Classification: Likely pathogenic for Primary ciliary dyskinesia. Last evaluated: 2015-11-30. Review status: criteria provided, single submitter. Criteria: LMM Criteria. Collection method: clinical testing. Allele origin: germline. Inheritance: Autosomal recessive inheritance. Observed: 5 variant alleles.
Comment: The p.Ile293fs variant in CCDC65 has been previously reported in 3 Ashkenazi Jew ish individuals with primary ciliary dyskinesia (PCD) and segregated with diseas e in 1 affected family member (Austin-Tse 2013, Horani 2013). All of these indiv iduals were homozygous for the variant. This variant has also been identified in 20/66728 European chromosomes by the Exome Aggregation Consortium (ExAC) and in 0.14% (3/2070) of chromosomes from an Ashkenazi Jewish control cohort (Fedick 2015). Although this variant has been seen in the general population, its frequency is still low enough to be consistent with a r ecessive carrier frequency. The p.Ile293fs variant is predicted to cause a frame shift, which alters the protein?s amino acid sequence beginning at position 293 and leads to a premature termination codon 2 amino acids downstream. This altera tion is then predicted to lead to a truncated or absent protein. In vitro studie s have demonstrated that the CCDC65 protein was absent in cells derived from an individual homozygous for this variant (Horani 2013). Functional studies in huma n cell lines and the zebrafish model provided some evidence that loss of functio n of the CCDC65 gene may cause cilia motility defects (Horani 2013, Austin-Tse 2 013), though these types of assays may not accurately reflect biological functio n. The p.Ile293fs variant is currently the only variant in CCDC65 gene that has been reported in individuals with PCD, therefore additional studies are needed t o fully understand the role of the CCDC65 gene in disease. In summary, although additional studies are required to fully establish its clinical significance, th e p.Ile293fs variant is likely pathogenic.

OMIM
Classification: Pathogenic for CILIARY DYSKINESIA, PRIMARY, 27, WITHOUT SITUS INVERSUS. Last evaluated: 2013-10-03. Review status: no assertion criteria provided. Collection method: literature only. Allele origin: germline. Not counted in ClinVar's aggregate classification.

Literature cited by the submitters: PubMed 23991085 (cited by 4 submitters); PubMed 24094744 (cited by 4 submitters); PubMed 34693619 (cited by Johns Hopkins Genomics, Johns Hopkins University); PubMed 25802884 (cited by Laboratory for Molecular Medicine, Mass General Brigham Personalized Medicine).